The following is an entry in ClinVar:

ClinVar aggregate classification (germline): Pathogenic (1 of 4 stars; one submission).

Submission:

GeneDx
Classification: Pathogenic. Last evaluated: 2018-10-18. Review status: criteria provided, single submitter. Criteria: GeneDx Variant Classification (06012015). Collection method: clinical testing. Allele origin: germline. Affected: yes.
Comment: The c.1272_1287del16 variant in the MFRP gene has not been reported previously as a pathogenic variant nor as a benign variant, to our knowledge. The c.1272_1287del16 variant causes a frameshift starting with codon Serine 424, changes this amino acid to an Arginine residue, and creates a premature Stop codon at position 49 of the new reading frame, denoted p.Ser424ArgfsX49. This variant is predicted to cause loss of normal protein function either through protein truncation or nonsense-mediated mRNA decay. The c.1272_1287del16 variant is not observed in large population cohorts (Lek et al., 2016). We interpret c.1272_1287del16 as a pathogenic variant.

NM_031433.4(MFRP):c.1272_1287del (p.Ser424fs)

Genes: C1QTNF5 (C1q and TNF related 5; minus strand), MFRP (membrane frizzled-related protein; minus strand). Cytogenetic location: 11q23.3.
Variant type: Deletion.
Coding change: c.1272_1287del on transcript NM_031433.4 (MANE Select); coding-DNA positions 1272 to 1287, 16 bases deleted (TGAGCTCTCCTGCCAG).
Protein change: p.Ser424fs; shifts the reading frame from serine 424.
Molecular consequence: frameshift variant. On other transcripts: 5 prime UTR variant (1).
Genome position (GRCh38, 1-based): chr11:119,342,696-119,342,711, CTGGCAGGAGAGCTCA deleted on the plus strand (TGAGCTCTCCTGCCAG on the coding strand, the reverse complement: MFRP is on the minus strand); deleting any 16 consecutive bases within chr11:119,342,696-119,342,715 gives the same sequence; the c. name uses the placement nearest the transcript's 3' end. VCF-style (leftmost placement, unchanged base first): chr11-119342695-CCTGGCAGGAGAGCTCA-C. GRCh37 (hg19) VCF-style: chr11-119213405-CCTGGCAGGAGAGCTCA-C.
Other names: c.-1365_-1350del (NM_015645.5); short protein forms S424fs.
Identifiers: ClinVar variation 817287 (VCV000817287.3), dbSNP rs1591302809, ClinGen allele CA915947751.